The following is an entry in ClinVar:

NM_152594.3(SPRED1):c.505A>G (p.Arg169Gly)

Gene: SPRED1 (sprouty related EVH1 domain containing 1; plus strand). Cytogenetic location: 15q14.
Variant type: single nucleotide variant.
Coding change: c.505A>G on transcript NM_152594.3 (MANE Select); coding-DNA position 505, A replaced by G.
Protein change: p.Arg169Gly; replaces arginine 169 with glycine.
Molecular consequence: missense variant.
Genome position (GRCh38, 1-based): chr15:38,339,818, A>G. VCF-style: chr15-38339818-A-G. GRCh37 (hg19) VCF-style: chr15-38632019-A-G.
Other names: c.505A>G (NM_152594.2); short protein forms R169G.
Identifiers: ClinVar variation 1364140 (VCV001364140.9), dbSNP rs1895994329, ClinGen allele CA391932579.
Genomic context (GRCh38, chr15:38,339,818, plus strand): 5'-AGTTCTCTAGTGAAGGATCACCTTTTTCAGCAAGAGACAGTTGTTACCAGTGAGCCTTAT[A>G]GAAGCTCAAATATAAGACCTTCTCCCTTTGAAGATCTGAATGCCAGAAGAGTCTACATGC-3'
Protein context (NP_689807.1, residues 159-179): QETVVTSEPY[Arg169Gly]SSNIRPSPFE

ClinVar aggregate classification (germline): Uncertain significance. Review status: criteria provided, multiple submitters, no conflicts (2 of 4 stars). 2 submissions from 2 submitters: Uncertain significance (2). Last evaluated 2025-03-25.

Conditions:
Legius syndrome. Identifiers: Orphanet 137605, MedGen C1969623, MONDO:0012669, OMIM 611431. Disease mechanism: loss of function.
Cardiovascular phenotype. Identifiers: MedGen CN230736.

Allele frequency attached by ClinVar (database versions not stated): gnomAD 0.00001; gnomAD exomes below 0.00001; TOPMed below 0.00001.
gnomAD v4.1: 3 of 1,613,826 alleles (0.00019%); highest among the groups gnomAD compares: Non-Finnish European, 0.00025%; no homozygotes.

Submissions (2):

Ambry Genetics
Classification: Uncertain significance for Cardiovascular phenotype. Last evaluated: 2025-03-25. Review status: criteria provided, single submitter. Criteria: Ambry Variant Classification Scheme 2023. Collection method: clinical testing. Allele origin: germline.
Comment: The p.R169G variant (also known as c.505A>G), located in coding exon 5 of the SPRED1 gene, results from an A to G substitution at nucleotide position 505. The arginine at codon 169 is replaced by glycine, an amino acid with dissimilar properties. This amino acid position is conserved. In addition, this alteration is predicted to be tolerated by in silico analysis. Based on the available evidence, the clinical significance of this variant remains unclear.

Labcorp Genetics (formerly Invitae), Labcorp
Classification: Uncertain significance for Legius syndrome. Last evaluated: 2021-04-15. Review status: criteria provided, single submitter. Criteria: Invitae Variant Classification Sherloc (09022015). Collection method: clinical testing. Allele origin: germline.
Comment: In summary, the available evidence is currently insufficient to determine the role of this variant in disease. Therefore, it has been classified as a Variant of Uncertain Significance. Algorithms developed to predict the effect of missense changes on protein structure and function are either unavailable or do not agree on the potential impact of this missense change (SIFT: "Deleterious"; PolyPhen-2: "Benign"; Align-GVGD: "Class C0"). This variant has not been reported in the literature in individuals with SPRED1-related conditions. This variant is not present in population databases (ExAC no frequency). This sequence change replaces arginine with glycine at codon 169 of the SPRED1 protein (p.Arg169Gly). The arginine residue is highly conserved and there is a moderate physicochemical difference between arginine and glycine.